The following is an entry in ClinVar:

ClinVar aggregate classification (germline): Uncertain significance (1 of 4 stars; one submission).

Conditions:
Ataxia-telangiectasia syndrome (AT). Also called: ATAXIA-TELANGIECTASIA, FRESNO VARIANT; Ataxia-telangiectasia, complementation group E; ATAXIA-TELANGIECTASIA, COMPLEMENTATION GROUP A; LOUIS-BAR SYNDROME; Ataxia-telangiectasia, complementation group D; AT, COMPLEMENTATION GROUP C. Identifiers: Orphanet 100, MedGen C0004135, MONDO:0008840, OMIM 208900.

Submission:

Labcorp Genetics (formerly Invitae), Labcorp
Classification: Uncertain significance for Ataxia-telangiectasia syndrome. Last evaluated: 2022-01-15. Review status: criteria provided, single submitter. Criteria: Invitae Variant Classification Sherloc (09022015). Collection method: clinical testing. Allele origin: germline.
Comment: This variant is not present in population databases (gnomAD no frequency). This sequence change replaces isoleucine, which is neutral and non-polar, with serine, which is neutral and polar, at codon 512 of the ATM protein (p.Ile512Ser). This variant has not been reported in the literature in individuals affected with ATM-related conditions. ClinVar contains an entry for this variant (Variation ID: 1051314). In summary, the available evidence is currently insufficient to determine the role of this variant in disease. Therefore, it has been classified as a Variant of Uncertain Significance. Advanced modeling of protein sequence and biophysical properties (such as structural, functional, and spatial information, amino acid conservation, physicochemical variation, residue mobility, and thermodynamic stability) performed at Invitae indicates that this missense variant is not expected to disrupt ATM protein function.

NM_000051.4(ATM):c.1535T>G (p.Ile512Ser)

Gene: ATM (ATM serine/threonine kinase; plus strand). Cytogenetic location: 11q22.3.
Variant type: single nucleotide variant.
Coding change: c.1535T>G on transcript NM_000051.4 (MANE Select); coding-DNA position 1535, T replaced by G.
Protein change: p.Ile512Ser; replaces isoleucine 512 with serine.
Molecular consequence: missense variant.
Genome position (GRCh38, 1-based): chr11:108,251,000, T>G. VCF-style: chr11-108251000-T-G. GRCh37 (hg19) VCF-style: chr11-108121727-T-G.
Other names: c.1535T>G, p.Ile512Ser (NM_001351834.2); short protein forms I512S.
Identifiers: ClinVar variation 1051314 (VCV001051314.10), dbSNP rs2135326136, ClinGen allele CA382534307.